The following is an entry in ClinVar:

ClinVar aggregate classification (germline): Uncertain significance (1 of 4 stars; one submission).

gnomAD v4.1: 1 of 1,613,880 alleles (0.000062%); highest among the groups gnomAD compares: Non-Finnish European, 0.000085%; no homozygotes.

Submission:

Labcorp Genetics (formerly Invitae), Labcorp
Classification: Uncertain significance. Last evaluated: 2025-02-20. Review status: criteria provided, single submitter. Criteria: Invitae Variant Classification Sherloc (09022015). Collection method: clinical testing. Allele origin: germline.
Comment: This sequence change replaces phenylalanine, which is neutral and non-polar, with leucine, which is neutral and non-polar, at codon 1240 of the LTBP2 protein (p.Phe1240Leu). This variant is not present in population databases (gnomAD no frequency). This variant has not been reported in the literature in individuals affected with LTBP2-related conditions. An algorithm developed to predict the effect of missense changes on protein structure and function (PolyPhen-2) suggests that this variant is likely to be disruptive. In summary, the available evidence is currently insufficient to determine the role of this variant in disease. Therefore, it has been classified as a Variant of Uncertain Significance.

NM_000428.3(LTBP2):c.3718T>C (p.Phe1240Leu)

Gene: LTBP2 (latent transforming growth factor beta binding protein 2; minus strand). Cytogenetic location: 14q24.3.
Variant type: single nucleotide variant.
Coding change: c.3718T>C on transcript NM_000428.3 (MANE Select); coding-DNA position 3718, T replaced by C.
Protein change: p.Phe1240Leu; replaces phenylalanine 1240 with leucine.
Molecular consequence: missense variant.
Genome position (GRCh38, 1-based): chr14:74,508,030, A>G on the plus strand (T>C on the coding strand, the complement: LTBP2 is on the minus strand). VCF-style: chr14-74508030-A-G. GRCh37 (hg19) VCF-style: chr14-74974733-A-G.
Other names: short protein forms F1240L.
Identifiers: ClinVar variation 4810717 (VCV004810717.1).